The following is an entry in ClinVar:

NM_001370658.1(BTD):c.47dup (p.Tyr16Ter)

Gene: BTD (biotinidase; plus strand). Cytogenetic location: 3p25.1.
Variant type: Duplication.
Coding change: c.47dup on transcript NM_001370658.1 (MANE Select); coding-DNA position 47, one base duplicated (A; older notation c.47dupA).
Protein change: p.Tyr16Ter; replaces tyrosine 16 with a stop codon.
Molecular consequence: nonsense. On other transcripts: frameshift variant (38).
Genome position (GRCh38, 1-based): chr3:15,635,486, A duplicated. VCF-style (leftmost placement, unchanged base first): chr3-15635485-T-TA. GRCh37 (hg19) VCF-style: chr3-15676992-T-TA.
Other names: c.47dup, p.Tyr16Terfs (NM_001407366.1, NM_001407367.1, NM_001407369.1 and 34 more transcripts); c.107dup, p.Tyr36Terfs (NM_000060.4); c.47dup, p.Tyr16Ter (NM_001281724.3, NM_001370752.1, NM_001370753.1); short protein forms Y16*.
Identifiers: ClinVar variation 370847 (VCV000370847.9), dbSNP rs1057516812, ClinGen allele CA16040909.

ClinVar aggregate classification (germline): Pathogenic. Review status: criteria provided, single submitter (1 of 4 stars). 2 submissions from 2 submitters: Pathogenic (1). 1 of the submissions does not count toward it. Last evaluated 2022-07-12.

Conditions:
Biotinidase deficiency. Also called: BTD deficiency; Late-onset biotin-responsive multiple carboxylase deficiency; Biotin deficiency. Identifiers: Orphanet 79241, MedGen C0220754, MONDO:0009665, OMIM 253260.

Allele frequency attached by ClinVar (database versions not stated): TOPMed below 0.00001.

Submissions (2):

Labcorp Genetics (formerly Invitae), Labcorp
Classification: Pathogenic for Biotinidase deficiency. Last evaluated: 2022-07-12. Review status: criteria provided, single submitter. Criteria: Invitae Variant Classification Sherloc (09022015). Collection method: clinical testing. Allele origin: germline.
Comment: For these reasons, this variant has been classified as Pathogenic. ClinVar contains an entry for this variant (Variation ID: 370847). This variant has not been reported in the literature in individuals affected with BTD-related conditions. This variant is not present in population databases (gnomAD no frequency). This sequence change creates a premature translational stop signal (p.Tyr36*) in the BTD gene. It is expected to result in an absent or disrupted protein product. Loss-of-function variants in BTD are known to be pathogenic (PMID: 20083419).

Counsyl
Classification: Likely pathogenic for Biotinidase deficiency. Last evaluated: 2016-04-25. Review status: no assertion criteria provided. Collection method: clinical testing. Allele origin: unknown. Not counted in ClinVar's aggregate classification.

Literature cited by the submitters: PubMed 20083419 (cited by Labcorp Genetics (formerly Invitae), Labcorp).